The following is an entry in ClinVar:

NM_005032.7(PLS3):c.1798G>A (p.Val600Met)

Gene: PLS3 (plastin 3; plus strand). Cytogenetic location: Xq23.
Variant type: single nucleotide variant.
Coding change: c.1798G>A on transcript NM_005032.7 (MANE Select); coding-DNA position 1798, G replaced by A.
Protein change: p.Val600Met; replaces valine 600 with methionine.
Molecular consequence: missense variant.
Genome position (GRCh38, 1-based): chrX:115,649,466, G>A. VCF-style: chrX-115649466-G-A. GRCh37 (hg19) VCF-style: chrX-114883786-G-A.
Other names: c.1798G>A, p.Val600Met (NM_001136025.5); c.1717G>A, p.Val573Met (NM_001172335.3); c.1759G>A, p.Val587Met (NM_001282337.2); c.1663G>A, p.Val555Met (NM_001282338.2); short protein forms V600M, V555M, V573M, V587M.
Identifiers: ClinVar variation 2890433 (VCV002890433.3), dbSNP rs1357550594, ClinGen allele CA414336848.

ClinVar aggregate classification (germline): Uncertain significance (1 of 4 stars; one submission).

Allele frequency attached by ClinVar (database versions not stated): TOPMed below 0.00001.

Submission:

Labcorp Genetics (formerly Invitae), Labcorp
Classification: Uncertain significance. Last evaluated: 2024-03-23. Review status: criteria provided, single submitter. Criteria: Invitae Variant Classification Sherloc (09022015). Collection method: clinical testing. Allele origin: germline.
Comment: This sequence change replaces valine, which is neutral and non-polar, with methionine, which is neutral and non-polar, at codon 600 of the PLS3 protein (p.Val600Met). This variant is not present in population databases (gnomAD no frequency). This variant has not been reported in the literature in individuals affected with PLS3-related conditions. Advanced modeling of protein sequence and biophysical properties (such as structural, functional, and spatial information, amino acid conservation, physicochemical variation, residue mobility, and thermodynamic stability) performed at Invitae indicates that this missense variant is expected to disrupt PLS3 protein function with a positive predictive value of 80%. In summary, the available evidence is currently insufficient to determine the role of this variant in disease. Therefore, it has been classified as a Variant of Uncertain Significance.